The following is an entry in ClinVar:

NM_006060.6(IKZF1):c.916A>G (p.Met306Val)

Gene: IKZF1 (IKAROS family zinc finger 1; plus strand). Cytogenetic location: 7p12.2.
Variant type: single nucleotide variant.
Coding change: c.916A>G on transcript NM_006060.6 (MANE Select); coding-DNA position 916, A replaced by G.
Protein change: p.Met306Val; replaces methionine 306 with valine.
Molecular consequence: missense variant.
Genome position (GRCh38, 1-based): chr7:50,399,983, A>G. VCF-style: chr7-50399983-A-G. GRCh37 (hg19) VCF-style: chr7-50467681-A-G.
Other names: c.790A>G, p.Met264Val (NM_001220765.3, NM_001291837.2); c.625A>G, p.Met209Val (NM_001220767.2); c.655A>G, p.Met219Val (NM_001220768.2, NM_001291838.2); c.499A>G, p.Met167Val (NM_001220770.2); c.487A>G, p.Met163Val (NM_001220771.2, NM_001291841.1); c.529A>G, p.Met177Val (NM_001291839.2); c.226A>G, p.Met76Val (NM_001291840.1); c.457A>G, p.Met153Val (NM_001291842.1); and 3 more; short protein forms M153V, M163V, M167V, M177V, M264V, M76V, M111V, M121V.
Identifiers: ClinVar variation 4735198 (VCV004735198.1).
Genomic context (GRCh38, chr7:50,399,983, plus strand): 5'-AAGGGCCTGTCCGACACGCCCTACGACAGCAGCGCCAGCTACGAGAAGGAGAACGAAATG[A>G]TGAAGTCCCACGTGATGGACCAAGCCATCAACAACGCCATCAACTACCTGGGGGCCGAGT-3'
Protein context (NP_006051.1, residues 296-316): SASYEKENEM[Met306Val]KSHVMDQAIN

ClinVar aggregate classification (germline): Uncertain significance (1 of 4 stars; one submission).

gnomAD v4.1: 4 of 1,613,548 alleles (0.00025%); highest among the groups gnomAD compares: Non-Finnish European, 0.00034%; no homozygotes.

Submission:

Labcorp Genetics (formerly Invitae), Labcorp
Classification: Uncertain significance. Last evaluated: 2026-01-12. Review status: criteria provided, single submitter. Criteria: Invitae Variant Classification Sherloc (09022015). Collection method: clinical testing. Allele origin: germline.
Comment: This sequence change replaces methionine, which is neutral and non-polar, with valine, which is neutral and non-polar, at codon 306 of the IKZF1 protein (p.Met306Val). This variant is not present in population databases (gnomAD no frequency). This variant has not been reported in the literature in individuals affected with IKZF1-related conditions. An algorithm developed to predict the effect of missense changes on protein structure and function (PolyPhen-2) suggests that this variant is likely to be tolerated. In summary, the available evidence is currently insufficient to determine the role of this variant in disease. Therefore, it has been classified as a Variant of Uncertain Significance.